The following is an entry in ClinVar:

NC_000014.9:g.22836440T>C

Gene: MMP14 (matrix metallopeptidase 14; plus strand). Cytogenetic location: 14q11.2.
Variant type: single nucleotide variant.
Genome position: GRCh38 VCF-style: chr14-22836440-T-C. GRCh37 (hg19) VCF-style: chr14-23305649-T-C.
Identifiers: ClinVar variation 1220628 (VCV001220628.4), dbSNP rs1004030, ClinGen allele CA14015161.
Genomic context (GRCh38, chr14:22,836,440, plus strand): 5'-GCCTCAACCCCTGCAGATGGCAGCCTGCACCACAAAAAGGCAACTTAGAGGTGTTTTTTT[T>C]TTTTTTCCTTCCAGTTCTTGGTTGTAATTGGATTCAGGCTAAAACAACCACGTCCCCAAC-3'

ClinVar aggregate classification (germline): Benign (1 of 4 stars; one submission).

Allele frequency attached by ClinVar (database versions not stated): TOPMed 0.37641; 1000 Genomes Project 0.37939; 1000 Genomes Project 30x 0.38164; gnomAD 0.38607 and 0.38652; gnomAD exomes 0.42813.

Submission:

GeneDx
Classification: Benign. Last evaluated: 2021-05-13. Review status: criteria provided, single submitter. Criteria: GeneDx Variant Classification Process June 2021. Collection method: clinical testing. Allele origin: germline. Affected: yes.
Comment: This variant is associated with the following publications: (PMID: 18927121)